The following is an entry in ClinVar:

ClinVar aggregate classification (germline): Uncertain significance (1 of 4 stars; one submission).

gnomAD v4.1: 8 of 1,611,412 alleles (0.0005%); highest among the groups gnomAD compares: Admixed American, 0.012%; no homozygotes.

Submission:

CeGaT Center for Human Genetics Tuebingen
Classification: Uncertain significance. Last evaluated: 2026-07-01. Review status: criteria provided, single submitter. Criteria: CeGaT Center For Human Genetics Tuebingen Variant Classification Criteria Version 2. Collection method: clinical testing. Allele origin: germline. Affected: yes. Observed: 1 variant allele.
Comment: BRPF1: PM2

NM_001003694.2(BRPF1):c.2313A>G (p.Ala771=)

Gene: BRPF1 (bromodomain and PHD finger containing 1; plus strand). Cytogenetic location: 3p25.3.
Variant type: single nucleotide variant.
Coding change: c.2313A>G on transcript NM_001003694.2 (MANE Select); coding-DNA position 2313, A replaced by G.
Protein change: p.Ala771=; no amino-acid change (alanine 771 retained).
Molecular consequence: synonymous variant. On other transcripts: splice acceptor variant (6).
Genome position (GRCh38, 1-based): chr3:9,743,579, A>G. VCF-style: chr3-9743579-A-G. GRCh37 (hg19) VCF-style: chr3-9785263-A-G.
Other names: c.2295A>G, p.Ala765= (NM_001319049.2, NM_001437892.1, NM_004634.3); c.2313A>G, p.Ala771= (NM_001438344.1); c.2312-2A>G (NM_001410704.1, NM_001438345.1); c.2294-2A>G (NM_001438342.1, NM_001319050.2, NM_001438346.1 and 1 more transcripts).
Identifiers: ClinVar variation 5039922 (VCV005039922.1).